The following is an entry in ClinVar:

NM_017780.4(CHD7):c.5360A>T (p.Asp1787Val)

Gene: CHD7 (chromodomain helicase DNA binding protein 7; plus strand). Cytogenetic location: 8q12.2.
Variant type: single nucleotide variant.
Coding change: c.5360A>T on transcript NM_017780.4 (MANE Select); coding-DNA position 5360, A replaced by T.
Protein change: p.Asp1787Val; replaces aspartic acid 1787 with valine.
Molecular consequence: missense variant. On other transcripts: intron variant (1).
Genome position (GRCh38, 1-based): chr8:60,849,110, A>T. VCF-style: chr8-60849110-A-T. GRCh37 (hg19) VCF-style: chr8-61761669-A-T.
Other names: c.1717-13119A>T (NM_001316690.1); short protein forms D1787V.
Identifiers: ClinVar variation 3672487 (VCV003672487.2).

ClinVar aggregate classification (germline): Uncertain significance (1 of 4 stars; one submission).

Conditions:
CHARGE syndrome (CHARGE). Also called: Hittner Hirsch Kreh syndrome; CHARGE ASSOCIATION--COLOBOMA, HEART ANOMALY, CHOANAL ATRESIA, RETARDATION, GENITAL AND EAR ANOMALIES; Coloboma, heart anomaly, choanal atresia, retardation, genital and ear anomalies; CHARGE association; Hall-Hittner syndrome. Identifiers: Orphanet 138, MedGen C0265354, MONDO:0008965.

gnomAD v4.1: 1 of 1,613,638 alleles (0.000062%); highest among the groups gnomAD compares: Non-Finnish European, 0.000085%; no homozygotes.

Submission:

Labcorp Genetics (formerly Invitae), Labcorp
Classification: Uncertain significance for CHARGE syndrome. Last evaluated: 2024-07-08. Review status: criteria provided, single submitter. Criteria: Invitae Variant Classification Sherloc (09022015). Collection method: clinical testing. Allele origin: germline.
Comment: This sequence change replaces aspartic acid, which is acidic and polar, with valine, which is neutral and non-polar, at codon 1787 of the CHD7 protein (p.Asp1787Val). This variant is not present in population databases (gnomAD no frequency). This variant has not been reported in the literature in individuals affected with CHD7-related conditions. Advanced modeling of protein sequence and biophysical properties (such as structural, functional, and spatial information, amino acid conservation, physicochemical variation, residue mobility, and thermodynamic stability) performed at Invitae indicates that this missense variant is expected to disrupt CHD7 protein function with a positive predictive value of 95%. In summary, the available evidence is currently insufficient to determine the role of this variant in disease. Therefore, it has been classified as a Variant of Uncertain Significance.